The following is an entry in ClinVar:

NM_006949.4(STXBP2):c.795-4C>T

Gene: STXBP2 (syntaxin binding protein 2; plus strand). Cytogenetic location: 19p13.2.
Variant type: single nucleotide variant.
Coding change: c.795-4C>T on transcript NM_006949.4 (MANE Select); 4 bases into the intron before coding-DNA position 795, C replaced by T.
Molecular consequence: intron variant.
Genome position (GRCh38, 1-based): chr19:7,642,425, C>T. VCF-style: chr19-7642425-C-T. GRCh37 (hg19) VCF-style: chr19-7707311-C-T.
Other names: p.?; c.828-4C>T (NM_001272034.2); c.786-4C>T (NM_001127396.3).
Identifiers: ClinVar variation 193692 (VCV000193692.47), dbSNP rs151257815, ClinGen allele CA200734.

ClinVar aggregate classification (germline): Benign/Likely benign. Review status: criteria provided, multiple submitters, no conflicts (2 of 4 stars). 8 submissions from 8 submitters: Benign (6); Likely benign (1). 1 of the submissions does not count toward it. Last evaluated 2026-08-01.

Conditions:
Autoinflammatory syndrome. Identifiers: Orphanet 93665, MedGen C3890737, MONDO:0019751.
STXBP2-related disorder. Also called: STXBP2-related condition.
Familial hemophagocytic lymphohistiocytosis 5. Also called: STXBP2-Related Familial Hemophagocytic Lymphohistiocytosis (STXBP2-fHLH). Identifiers: Orphanet 540, MedGen C2751293, MONDO:0013135, OMIM 613101.

Allele frequency attached by ClinVar (database versions not stated): 1000 Genomes Project 0.00439; 1000 Genomes Project 30x 0.00468; TOPMed 0.01074; gnomAD 0.01161 and 0.01197; gnomAD exomes 0.01178 and 0.01825; ExAC 0.01262; ESP Exome Variant Server 0.01369.

Submissions (8):

CeGaT Center for Human Genetics Tuebingen
Classification: Benign. Last evaluated: 2026-08-01. Review status: criteria provided, single submitter. Criteria: CeGaT Center For Human Genetics Tuebingen Variant Classification Criteria Version 2. Collection method: clinical testing. Allele origin: germline. Affected: yes. Observed: 16 variant alleles.
Comment: STXBP2: BP4, BS1, BS2

Labcorp Genetics (formerly Invitae), Labcorp
Classification: Benign for Familial hemophagocytic lymphohistiocytosis 5. Last evaluated: 2026-02-02. Review status: criteria provided, single submitter. Criteria: Invitae Variant Classification Sherloc (09022015). Collection method: clinical testing. Allele origin: germline.

Blueprint Genetics
Classification: Likely benign. Last evaluated: 2024-11-27. Review status: criteria provided, single submitter. Criteria: ACMG Guidelines, 2015. Collection method: clinical testing. Allele origin: germline.

Mayo Clinic Laboratories, Mayo Clinic
Classification: Benign. Last evaluated: 2023-12-05. Review status: criteria provided, single submitter. Criteria: ACMG Guidelines, 2015. Collection method: clinical testing. Allele origin: germline. Observed: 53 variant alleles.
Comment: BS1, BS2, BP4, BP7

Fulgent Genetics
Classification: Benign for Familial hemophagocytic lymphohistiocytosis 5. Last evaluated: 2022-05-19. Review status: criteria provided, single submitter. Criteria: ACMG Guidelines, 2015. Collection method: clinical testing. Allele origin: unknown.

Genome Diagnostics Laboratory, The Hospital for Sick Children
Classification: Benign for Autoinflammatory syndrome. Last evaluated: 2020-04-01. Review status: criteria provided, single submitter. Criteria: ACMG Guidelines, 2015. Collection method: clinical testing. Allele origin: germline. Affected: yes.

Eurofins Ntd Llc (ga)
Classification: Benign. Last evaluated: 2015-05-19. Review status: criteria provided, single submitter. Criteria: EGL Classification Definitions 2015. Collection method: clinical testing. Allele origin: germline. Observed: 1 variant allele, 1 heterozygote.

PreventionGenetics, part of Exact Sciences
Classification: Benign for STXBP2-related condition. Last evaluated: 2024-01-28. Review status: no assertion criteria provided. Collection method: clinical testing. Allele origin: germline. Not counted in ClinVar's aggregate classification.
Comment: This variant is classified as benign based on ACMG/AMP sequence variant interpretation guidelines (Richards et al. 2015 PMID: 25741868, with internal and published modifications).